The following is an entry in ClinVar:

NM_000038.6(APC):c.1733A>G (p.Glu578Gly)

Gene: APC (APC regulator of Wnt signaling pathway; plus strand). Cytogenetic location: 5q22.2.
Variant type: single nucleotide variant.
Coding change: c.1733A>G on transcript NM_000038.6 (MANE Select); coding-DNA position 1733, A replaced by G.
Protein change: p.Glu578Gly; replaces glutamic acid 578 with glycine.
Molecular consequence: missense variant.
Genome position (GRCh38, 1-based): chr5:112,828,962, A>G. VCF-style: chr5-112828962-A-G. GRCh37 (hg19) VCF-style: chr5-112164659-A-G.
Other names: c.1733A>G, p.Glu578Gly (NM_001127510.3, NM_001354895.2); c.1679A>G, p.Glu560Gly (NM_001127511.3); c.1787A>G, p.Glu596Gly (NM_001354896.2); c.1763A>G, p.Glu588Gly (NM_001354897.2); c.1658A>G, p.Glu553Gly (NM_001354898.2); c.1649A>G, p.Glu550Gly (NM_001354899.2); c.1610A>G, p.Glu537Gly (NM_001354900.2); c.1556A>G, p.Glu519Gly (NM_001354901.2); and 5 more; short protein forms E560G, E487G, E519G, E537G, E578G, E588G, E452G, E553G.
Identifiers: ClinVar variation 819933 (VCV000819933.4), dbSNP rs1580575109, ClinGen allele CA16025100.

ClinVar aggregate classification (germline): Uncertain significance (1 of 4 stars; one submission).

Conditions:
Hereditary cancer-predisposing syndrome. Also called: Neoplastic Syndromes, Hereditary; Tumor predisposition; Hereditary Cancer Syndrome; Hereditary neoplastic syndrome. Identifiers: Orphanet 140162, MedGen C0027672, MeSH D009386, MONDO:0015356.

Allele frequency attached by ClinVar (database versions not stated): gnomAD exomes below 0.00001.
gnomAD v4.1: 1 of 1,610,442 alleles (0.000062%); highest among the groups gnomAD compares: Non-Finnish European, 0.000085%; no homozygotes.

Submission:

Ambry Genetics
Classification: Uncertain significance for Hereditary cancer-predisposing syndrome. Last evaluated: 2018-02-16. Review status: criteria provided, single submitter. Criteria: Ambry Variant Classification Scheme 2023. Collection method: clinical testing. Allele origin: germline.
Comment: The p.E578G variant (also known as c.1733A>G), located in coding exon 13 of the APC gene, results from an A to G substitution at nucleotide position 1733. The glutamic acid at codon 578 is replaced by glycine, an amino acid with similar properties. This amino acid position is well conserved in available vertebrate species. In addition, in silico predictors for this gene do not accurately predict pathogenicity. Since supporting evidence is limited at this time, the clinical significance of this alteration remains unclear.